The following is an entry in ClinVar:

ClinVar aggregate classification (germline): Uncertain significance. Review status: criteria provided, multiple submitters, no conflicts (2 of 4 stars). 7 submissions from 7 submitters: Uncertain significance (7). Last evaluated 2025-12-10.

Conditions:
Hypertrophic cardiomyopathy. Also called: HYPERTROPHIC MYOCARDIOPATHY. Identifiers: Orphanet 217569, MedGen C0007194, MeSH D002312, MONDO:0005045, HP:0001639.
Cardiovascular phenotype. Identifiers: MedGen CN230736.
Cardiomyopathy (CMYO). Also called: Cardiomyopathies. Identifiers: Orphanet 167848, MedGen C0878544, MONDO:0004994, HP:0001638. Inheritance: Various modes of inheritance.
Hypertrophic cardiomyopathy 4. Also called: Familial hypertrophic cardiomyopathy 4. Identifiers: MedGen C1861862, MONDO:0007268, OMIM 115197.

Allele frequency attached by ClinVar (database versions not stated): ExAC 0.00002; TOPMed 0.00002; gnomAD 0.00003; 1000 Genomes Project 30x 0.00016; 1000 Genomes Project 0.00020; gnomAD exomes 0.00001.
gnomAD v4.1: 31 of 1,610,118 alleles (0.0019%); highest among the groups gnomAD compares: African/African-American, 0.0067%; no homozygotes.

Submissions (7):

Labcorp Genetics (formerly Invitae), Labcorp
Classification: Uncertain significance for Hypertrophic cardiomyopathy. Last evaluated: 2025-12-10. Review status: criteria provided, single submitter. Criteria: Invitae Variant Classification Sherloc (09022015). Collection method: clinical testing. Allele origin: germline.
Comment: This sequence change replaces valine, which is neutral and non-polar, with isoleucine, which is neutral and non-polar, at codon 1115 of the MYBPC3 protein (p.Val1115Ile). This variant is present in population databases (rs531189495, gnomAD 0.007%). This missense change has been observed in individuals with dilated cardiomyopathy and/or hypertrophic cardiomyopathy (PMID: 11499719, 28356264, 33782553, 37904629). ClinVar contains an entry for this variant (Variation ID: 407323). An algorithm developed to predict the effect of missense changes on protein structure and function (PolyPhen-2) suggests that this variant is likely to be disruptive. In summary, the available evidence is currently insufficient to determine the role of this variant in disease. Therefore, it has been classified as a Variant of Uncertain Significance.

Molecular Diagnostic Laboratory for Inherited Cardiovascular Disease, Montreal Heart Institute
Classification: Uncertain significance for Cardiovascular phenotype. Last evaluated: 2025-07-24. Review status: criteria provided, single submitter. Criteria: ACMG Guidelines, 2015. Collection method: clinical testing. Allele origin: germline. Affected: yes.
Comment: PM2, PS4_supp, BP4

Ambry Genetics
Classification: Uncertain significance for Cardiovascular phenotype. Last evaluated: 2024-06-26. Review status: criteria provided, single submitter. Criteria: Ambry Variant Classification Scheme 2023. Collection method: clinical testing. Allele origin: germline.
Comment: The p.V1115I variant (also known as c.3343G>A), located in coding exon 31 of the MYBPC3 gene, results from a G to A substitution at nucleotide position 3343. The valine at codon 1115 is replaced by isoleucine, an amino acid with highly similar properties. This variant has been detected in individuals reported to have hypertrophic cardiomyopathy (Erdmann J et al. J Am Coll Cardiol, 2001 Aug;38:322-30; Erdmann J et al. Clin Genet, 2003 Oct;64:339-49; G&oacute;mez J et al. Circ Cardiovasc Genet, 2017 Apr;10; Helms AS et al. Circ Genom Precis Med, 2020 Oct;13:396-405). This amino acid position is highly conserved in available vertebrate species. In addition, the in silico prediction for this alteration is inconclusive. Based on the available evidence, the clinical significance of this variant remains unclear.

Color Diagnostics, LLC DBA Color Health
Classification: Uncertain significance for Cardiomyopathy. Last evaluated: 2024-06-24. Review status: criteria provided, single submitter. Criteria: ACMG Guidelines, 2015. Collection method: clinical testing. Allele origin: germline.
Comment: This missense variant replaces valine with isoleucine at codon 1115 of the MYBPC3 protein. Computational prediction tools indicate that this variant has a neutral impact on protein structure and function. To our knowledge, functional studies have not been reported for this variant. This variant has been reported in individuals affected with hypertrophic cardiomyopathy (PMID: 11499719, 28356264, 32841044, 33782553) and in an individual affected with dilated cardiomyopathy (PMID: 37904629). This variant has been identified in 3/240324 chromosomes in the general population by the Genome Aggregation Database (gnomAD). The available evidence is insufficient to determine the role of this variant in disease conclusively. Therefore, this variant is classified as a Variant of Uncertain Significance.

All of Us Research Program, National Institutes of Health
Classification: Uncertain significance for Hypertrophic cardiomyopathy. Last evaluated: 2023-05-04. Review status: criteria provided, single submitter. Criteria: ACMG Guidelines, 2015. Collection method: clinical testing. Allele origin: germline. Inheritance: Autosomal dominant inheritance. Observed: 4 variant alleles, 4 heterozygotes.
Comment: Variant of Uncertain Significance due to insufficient evidence: This missense variant replaces valine with isoleucine at codon 1115 of the MYBPC3 protein. Computational prediction tools and conservation analyses are inconclusive regarding the impact of this variant on the protein function. Computational splicing tools suggest that this variant may not impact RNA splicing. To our knowledge, functional assays have not been performed for this variant. This variant has been reported in two individuals affected with hypertrophic cardiomyopathy (PMID: 11499719, 28356264). This variant has also been identified in 3/237706 chromosomes in the general population by the Genome Aggregation Database (gnomAD). Available evidence is insufficient to determine the role of this variant in disease conclusively.

This study involves interpretation of variants in research participants for the purpose of population health screening. Participant phenotype was not available at the time of variant classification. Additional details can be found in publication PMID: 35346344, PMCID: PMC8962531

GeneDx
Classification: Uncertain significance. Last evaluated: 2022-12-02. Review status: criteria provided, single submitter. Criteria: GeneDx Variant Classification Process June 2021. Collection method: clinical testing. Allele origin: germline. Affected: yes.
Comment: Identified in a patient with HCM in published literature (Erdmann et al., 2001); Not observed at significant frequency in large population cohorts (gnomAD); In silico analysis supports that this missense variant does not alter protein structure/function; This variant is associated with the following publications: (PMID: 33782553, 12974739, 11499719)

Mendelics
Classification: Uncertain significance for Hypertrophic cardiomyopathy 4. Last evaluated: 2019-05-28. Review status: criteria provided, single submitter. Criteria: Mendelics Assertion Criteria 2017. Collection method: clinical testing. Allele origin: unknown.

Literature cited by the submitters: PubMed 11499719 (cited by 4 submitters); PubMed 28356264 (cited by 4 submitters); PubMed 33782553 (cited by Labcorp Genetics (formerly Invitae), Labcorp and Color Diagnostics, LLC DBA Color Health); PubMed 37904629 (cited by Labcorp Genetics (formerly Invitae), Labcorp and Color Diagnostics, LLC DBA Color Health); PubMed 12974739 (cited by Ambry Genetics); PubMed 32841044 (cited by Ambry Genetics and Color Diagnostics, LLC DBA Color Health).

NM_000256.3(MYBPC3):c.3343G>A (p.Val1115Ile)

Gene: MYBPC3 (myosin binding protein C3; minus strand). Cytogenetic location: 11p11.2.
Variant type: single nucleotide variant.
Coding change: c.3343G>A on transcript NM_000256.3 (MANE Select); coding-DNA position 3343, G replaced by A.
Protein change: p.Val1115Ile; replaces valine 1115 with isoleucine.
Molecular consequence: missense variant.
Genome position (GRCh38, 1-based): chr11:47,332,961, C>T on the plus strand (G>A on the coding strand, the complement: MYBPC3 is on the minus strand). VCF-style: chr11-47332961-C-T. GRCh37 (hg19) VCF-style: chr11-47354512-C-T.
Other names: c.3343G>A, p.Val1115Ile (LRG_386t1); short protein forms V1115I.
Identifiers: ClinVar variation 407323 (VCV000407323.23), dbSNP rs531189495, ClinGen allele CA5975358.